The following is an entry in ClinVar:

NM_004565.3(PEX14):c.824C>T (p.Ser275Leu)

Gene: PEX14 (peroxisomal biogenesis factor 14; plus strand). Cytogenetic location: 1p36.22.
Variant type: single nucleotide variant.
Coding change: c.824C>T on transcript NM_004565.3 (MANE Select); coding-DNA position 824, C replaced by T.
Protein change: p.Ser275Leu; replaces serine 275 with leucine.
Molecular consequence: missense variant.
Genome position (GRCh38, 1-based): chr1:10,629,677, C>T. VCF-style: chr1-10629677-C-T. GRCh37 (hg19) VCF-style: chr1-10689734-C-T.
Other names: short protein forms S275L.
Identifiers: ClinVar variation 167451 (VCV000167451.13), dbSNP rs727504081, ClinGen allele CA234527.

ClinVar aggregate classification (germline): Conflicting classifications of pathogenicity. Review status: criteria provided, conflicting classifications (1 of 4 stars). 5 submissions from 5 submitters: Uncertain significance (4); Likely benign (1). Last evaluated 2026-09-04.

Conditions:
PEX14-related disorder. Also called: PEX14-related condition.
Peroxisome biogenesis disorder, complementation group K (CGK). Identifiers: MedGen C1866257, MONDO:0800365.

Allele frequency attached by ClinVar (database versions not stated): gnomAD 0.00002 and 0.00003; TOPMed 0.00005; gnomAD exomes 0.00010 and 0.00002; ExAC 0.00009.
gnomAD v4.1: 38 of 1,613,598 alleles (0.0024%); highest among the groups gnomAD compares: Admixed American, 0.033%; no homozygotes.

Submissions (5):

PreventionGenetics, part of Exact Sciences
Classification: Uncertain significance for PEX14-related condition. Last evaluated: 2026-09-04. Review status: criteria provided, single submitter. Criteria: ACMG Guidelines, 2015. Collection method: clinical testing. Allele origin: germline.
Comment: The PEX14 c.824C>T variant is predicted to result in the amino acid substitution p.Ser275Leu. To our knowledge, this variant has not been reported in the literature. This variant is reported in 0.052% of alleles in individuals of Latino descent in gnomAD. Although we suspect that this variant may be benign, at this time, the clinical significance of this variant is uncertain due to the absence of conclusive functional and genetic evidence.

Blueprint Genetics
Classification: Uncertain significance. Last evaluated: 2024-09-04. Review status: criteria provided, single submitter. Criteria: ACMG Guidelines, 2015. Collection method: clinical testing. Allele origin: germline.

Women's Health and Genetics/Laboratory Corporation of America, LabCorp
Classification: Likely benign. Last evaluated: 2023-08-31. Review status: criteria provided, single submitter. Criteria: LabCorp Variant Classification Summary - May 2015. Collection method: clinical testing. Allele origin: germline.
Comment: Variant summary: PEX14 c.824C>T (p.Ser275Leu) results in a non-conservative amino acid change in the encoded protein sequence. Four of five in-silico tools predict a damaging effect of the variant on protein function. The variant allele was found at a frequency of 0.0001 in 249018 control chromosomes (gnomAD), predominantly at a frequency of 0.00052 within the Latino subpopulation in the gnomAD database. The observed variant frequency within Latino control individuals in the gnomAD database is approximately 1.3 fold of the estimated maximal expected allele frequency for a pathogenic variant in PEX14 causing Peroxisome Biogenesis Disorders, Zellweger Syndrome Spectrum phenotype (0.0004), suggesting that the variant may be a benign polymorphism found primarily in populations of Latino origin. To our knowledge, no occurrence of c.824C>T in individuals affected with Peroxisome Biogenesis Disorders, Zellweger Syndrome Spectrum and no experimental evidence demonstrating its impact on protein function have been reported. Two ClinVar submitters have assessed the variant since 2014, and both classified the variant as uncertain significance. Based on the evidence outlined above, the variant was classified as likely benign.

Labcorp Genetics (formerly Invitae), Labcorp
Classification: Uncertain significance for Peroxisome biogenesis disorder, complementation group K. Last evaluated: 2022-10-17. Review status: criteria provided, single submitter. Criteria: Invitae Variant Classification Sherloc (09022015). Collection method: clinical testing. Allele origin: germline.
Comment: This sequence change replaces serine, which is neutral and polar, with leucine, which is neutral and non-polar, at codon 275 of the PEX14 protein (p.Ser275Leu). This variant is present in population databases (rs727504081, gnomAD 0.05%). This variant has not been reported in the literature in individuals affected with PEX14-related conditions. ClinVar contains an entry for this variant (Variation ID: 167451). Advanced modeling of protein sequence and biophysical properties (such as structural, functional, and spatial information, amino acid conservation, physicochemical variation, residue mobility, and thermodynamic stability) performed at Invitae indicates that this missense variant is expected to disrupt PEX14 protein function. In summary, the available evidence is currently insufficient to determine the role of this variant in disease. Therefore, it has been classified as a Variant of Uncertain Significance.

Eurofins Ntd Llc (ga)
Classification: Uncertain significance. Last evaluated: 2017-12-27. Review status: criteria provided, single submitter. Criteria: EGL Classification Definitions 2015. Collection method: clinical testing. Allele origin: germline. Observed: 6 variant alleles, 6 heterozygotes.